The following is an entry in ClinVar:

ClinVar aggregate classification (germline): Pathogenic. Review status: criteria provided, multiple submitters, no conflicts (2 of 4 stars). 3 submissions from 3 submitters: Pathogenic (2). 1 of the submissions does not count toward it. Last evaluated 2026-07-31.

Conditions:
Stickler syndrome type 2 (STL2). Also called: STICKLER SYNDROME, TYPE II; COL11A1-Related Stickler Syndrome; STICKLER SYNDROME, BEADED VITREOUS TYPE; STICKLER SYNDROME, VITREOUS TYPE 2. Identifiers: Orphanet 828, Orphanet 90654, MedGen C1858084, MONDO:0011493, OMIM 604841.

Submissions (3):

GeneDx
Classification: Pathogenic. Last evaluated: 2026-07-31. Review status: criteria provided, single submitter. Criteria: GeneDx Variant Classification Process June 2021. Collection method: clinical testing. Allele origin: germline.
Comment: Damages or destroys the splice donor site in intron 36, and is expected to cause abnormal gene splicing; if the splice outcome is exon skip, the loss of the encoded residues in the triple helical region is expected to disrupt normal protein folding and function (HGMD; PMID: 25240749); Has not been previously published as pathogenic or benign to our knowledge; Not observed at significant frequency in large population cohorts (gnomAD); This variant is associated with the following publications: (PMID: 25240749, Dong_2022, 28983407, 39675476)

Labcorp Genetics (formerly Invitae), Labcorp
Classification: Pathogenic. Last evaluated: 2025-10-09. Review status: criteria provided, single submitter. Criteria: Invitae Variant Classification Sherloc (09022015). Collection method: clinical testing. Allele origin: germline.
Comment: This sequence change affects a donor splice site in intron 36 of the COL11A1 gene. It is expected to disrupt RNA splicing. Variants that disrupt the donor or acceptor splice site typically lead to a loss of protein function (PMID: 16199547), and loss-of-function variants in COL11A1 are known to be pathogenic (PMID: 20513134, 21035103, 23922384, 25240749, 32427345, 32756486). This variant is not present in population databases (gnomAD no frequency). Disruption of this splice site has been observed in individual(s) with clinical features of autosomal dominant Stickler syndrome (PMID: 28983407). In at least one individual the variant was observed to be de novo. ClinVar contains an entry for this variant (Variation ID: 504339). Algorithms developed to predict the effect of sequence changes on RNA splicing suggest that this variant may disrupt the consensus splice site. For these reasons, this variant has been classified as Pathogenic.

Autoinflammatory diseases unit, CHU de Montpellier
Classification: Pathogenic for Stickler syndrome type 2. Last evaluated: 2024-09-25. Review status: no assertion criteria provided. Collection method: clinical testing. Allele origin: maternal. Affected: yes. Not counted in ClinVar's aggregate classification.

Literature cited by the submitters: PubMed 16199547 (cited by Labcorp Genetics (formerly Invitae), Labcorp); PubMed 20513134 (cited by Labcorp Genetics (formerly Invitae), Labcorp); PubMed 21035103 (cited by Labcorp Genetics (formerly Invitae), Labcorp); PubMed 23922384 (cited by Labcorp Genetics (formerly Invitae), Labcorp); PubMed 25240749 (cited by Labcorp Genetics (formerly Invitae), Labcorp); PubMed 32427345 (cited by Labcorp Genetics (formerly Invitae), Labcorp); PubMed 32756486 (cited by Labcorp Genetics (formerly Invitae), Labcorp); PubMed 28983407 (cited by Labcorp Genetics (formerly Invitae), Labcorp).

NM_001854.4(COL11A1):c.2808+1G>A

Gene: COL11A1 (collagen type XI alpha 1 chain; minus strand). Cytogenetic location: 1p21.1.
Variant type: single nucleotide variant.
Coding change: c.2808+1G>A on transcript NM_001854.4 (MANE Select); the canonical splice donor site of the intron after coding-DNA position 2808, G replaced by A.
Molecular consequence: splice donor variant.
Genome position (GRCh38, 1-based): chr1:102,974,829, C>T on the plus strand (G>A on the coding strand, the complement: COL11A1 is on the minus strand). VCF-style: chr1-102974829-C-T. GRCh37 (hg19) VCF-style: chr1-103440385-C-T.
Other names: c.2691+1G>A (NM_001190709.2); c.2844+1G>A (NM_080629.3); c.2460+1G>A (NM_080630.4).
Identifiers: ClinVar variation 504339 (VCV000504339.11), dbSNP rs1553223152, ClinGen allele CA341161925.